The following is an entry in ClinVar:

ClinVar aggregate classification (germline): Likely pathogenic (1 of 4 stars; one submission).

Conditions:
Hereditary cancer-predisposing syndrome. Also called: Tumor predisposition; Neoplastic Syndromes, Hereditary; Hereditary neoplastic syndrome; Hereditary Cancer Syndrome. Identifiers: Orphanet 140162, MedGen C0027672, MeSH D009386, MONDO:0015356.

Submission:

Ambry Genetics
Classification: Likely pathogenic for Hereditary cancer-predisposing syndrome. Last evaluated: 2024-11-08. Review status: criteria provided, single submitter. Criteria: Ambry Variant Classification Scheme 2023. Collection method: clinical testing. Allele origin: germline.
Comment: The c.924_925insAlu likely pathogenic variant results from the insertion of an Alu element between nucleotides 924 and 925 in coding exon 4 of the BARD1 gene. Mobile element insertions contribute to pathogenicity by either disrupting the coding sequence or inducing aberrant splicing (Belancio VP et al. Semin. Cancer Biol. 2010 Aug;20:200-10; Deininger P et al. Genome Biol. 2011 Dec;12:236; van der Klift HM Hum Mutat. 2012 Jul;33(7):1051-5). Based on the majority of available evidence to date, this variant is likely to be pathogenic.

NM_000465.2:c.924_925insALU

Gene: BARD1 (BRCA1 associated RING domain 1; minus strand).
Variant type: Insertion.
Identifiers: ClinVar variation 3479734 (VCV003479734.1).